The following is an entry in ClinVar:

NM_000285.4(PEPD):c.788A>G (p.Asn263Ser)

Gene: PEPD (peptidase D; minus strand). Cytogenetic location: 19q13.11.
Variant type: single nucleotide variant.
Coding change: c.788A>G on transcript NM_000285.4 (MANE Select); coding-DNA position 788, A replaced by G.
Protein change: p.Asn263Ser; replaces asparagine 263 with serine.
Molecular consequence: missense variant.
Genome position (GRCh38, 1-based): chr19:33,411,702, T>C on the plus strand (A>G on the coding strand, the complement: PEPD is on the minus strand). VCF-style: chr19-33411702-T-C. GRCh37 (hg19) VCF-style: chr19-33902608-T-C.
Other names: c.665A>G, p.Asn222Ser (NM_001166056.2); c.596A>G, p.Asn199Ser (NM_001166057.2); short protein forms N199S, N222S, N263S.
Identifiers: ClinVar variation 1310488 (VCV001310488.2), dbSNP rs1311695398, ClinGen allele CA405226192.

ClinVar aggregate classification (germline): Uncertain significance (1 of 4 stars; one submission).

Allele frequency attached by ClinVar (database versions not stated): gnomAD exomes below 0.00001 and 0.00002; TOPMed below 0.00001.
gnomAD v4.1: 6 of 1,610,662 alleles (0.00037%); highest among the groups gnomAD compares: Admixed American, 0.0067%; no homozygotes.

Submission:

GeneDx
Classification: Uncertain significance. Last evaluated: 2019-12-19. Review status: criteria provided, single submitter. Criteria: GeneDx Variant Classification Process June 2021. Collection method: clinical testing. Allele origin: germline. Affected: yes.
Comment: Has not been previously published as pathogenic or benign to our knowledge; In silico analysis, which includes protein predictors and evolutionary conservation, supports a deleterious effect